The following is an entry in ClinVar:

ClinVar aggregate classification (germline): Uncertain significance (1 of 4 stars; one submission).

Conditions:
Distal myopathy with posterior leg and anterior hand involvement. Also called: WILLIAMS DISTAL MYOPATHY. Identifiers: Orphanet 63273, MedGen C3279722, MONDO:0013550, OMIM 614065.
Hypertrophic cardiomyopathy 26. Also called: Cardiomyopathy, familial hypertrophic, 26. Identifiers: Orphanet 75249, MedGen C4310749, MONDO:0014883, OMIM 617047.
Myofibrillar myopathy 5. Also called: Filaminopathy (type); FILAMINOPATHY, AUTOSOMAL DOMINANT. Identifiers: Orphanet 171445, MedGen C1836050, MONDO:0012289, OMIM 609524.

Submission:

Labcorp Genetics (formerly Invitae), Labcorp
Classification: Uncertain significance for Distal myopathy with posterior leg and anterior hand involvement; Myofibrillar myopathy 5; Hypertrophic cardiomyopathy 26. Last evaluated: 2024-06-25. Review status: criteria provided, single submitter. Criteria: Invitae Variant Classification Sherloc (09022015). Collection method: clinical testing. Allele origin: germline.
Comment: This sequence change replaces glutamine, which is neutral and polar, with glutamic acid, which is acidic and polar, at codon 1471 of the FLNC protein (p.Gln1471Glu). This variant is not present in population databases (gnomAD no frequency). This variant has not been reported in the literature in individuals affected with FLNC-related conditions. Advanced modeling of protein sequence and biophysical properties (such as structural, functional, and spatial information, amino acid conservation, physicochemical variation, residue mobility, and thermodynamic stability) has been performed at Invitae for this missense variant, however the output from this modeling did not meet the statistical confidence thresholds required to predict the impact of this variant on FLNC protein function. In summary, the available evidence is currently insufficient to determine the role of this variant in disease. Therefore, it has been classified as a Variant of Uncertain Significance.

NM_001458.5(FLNC):c.4411C>G (p.Gln1471Glu)

Gene: FLNC (filamin C; plus strand). Cytogenetic location: 7q32.1.
Variant type: single nucleotide variant.
Coding change: c.4411C>G on transcript NM_001458.5 (MANE Select); coding-DNA position 4411, C replaced by G.
Protein change: p.Gln1471Glu; replaces glutamine 1471 with glutamic acid.
Molecular consequence: missense variant.
Genome position (GRCh38, 1-based): chr7:128,847,819, C>G. VCF-style: chr7-128847819-C-G. GRCh37 (hg19) VCF-style: chr7-128487873-C-G.
Other names: c.4411C>G, p.Gln1471Glu (NM_001127487.2); short protein forms Q1471E.
Identifiers: ClinVar variation 3756976 (VCV003756976.2).
Genomic context (GRCh38, chr7:128,847,819, plus strand): 5'-CCAGGGCTGGGGGCTGGTGTCAGGGCCCGGGTTCCTCAGACCTTCACAGTGGATTGCAGT[C>G]AAGCTGGCCGGGCGCCCCTGCAGGTGGCTGTGCTGGGCCCCACAGGTATAGAATGGCCGG-3'
Protein context (NP_001449.3, residues 1461-1481): VPQTFTVDCS[Gln1471Glu]AGRAPLQVAV